The following is an entry in ClinVar:

ClinVar aggregate classification (germline): Uncertain significance (1 of 4 stars; one submission).

Conditions:
Familial adenomatous polyposis 1 (FAP1). Also called: FAMILIAL ADENOMATOUS POLYPOSIS 1, ATTENUATED; POLYPOSIS, ADENOMATOUS INTESTINAL. Identifiers: MedGen C2713442, MONDO:0021056, OMIM 175100. Disease mechanism: loss of function.

Submission:

Labcorp Genetics (formerly Invitae), Labcorp
Classification: Uncertain significance for Familial adenomatous polyposis 1. Last evaluated: 2024-10-29. Review status: criteria provided, single submitter. Criteria: Invitae Variant Classification Sherloc (09022015). Collection method: clinical testing. Allele origin: germline.
Comment: This sequence change replaces threonine, which is neutral and polar, with arginine, which is basic and polar, at codon 867 of the APC protein (p.Thr867Arg). This variant is not present in population databases (gnomAD no frequency). This variant has not been reported in the literature in individuals affected with APC-related conditions. Invitae Evidence Modeling of protein sequence and biophysical properties (such as structural, functional, and spatial information, amino acid conservation, physicochemical variation, residue mobility, and thermodynamic stability) indicates that this missense variant is not expected to disrupt APC protein function with a negative predictive value of 95%. In summary, the available evidence is currently insufficient to determine the role of this variant in disease. Therefore, it has been classified as a Variant of Uncertain Significance.

NM_000038.6(APC):c.2600C>G (p.Thr867Arg)

Gene: APC (APC regulator of Wnt signaling pathway; plus strand). Cytogenetic location: 5q22.2.
Variant type: single nucleotide variant.
Coding change: c.2600C>G on transcript NM_000038.6 (MANE Select); coding-DNA position 2600, C replaced by G.
Protein change: p.Thr867Arg; replaces threonine 867 with arginine.
Molecular consequence: missense variant. On other transcripts: non-coding transcript variant (2).
Genome position (GRCh38, 1-based): chr5:112,838,194, C>G. VCF-style: chr5-112838194-C-G. GRCh37 (hg19) VCF-style: chr5-112173891-C-G.
Other names: c.2600C>G, p.Thr867Arg (NM_001127510.3, NM_001354895.2, NM_001407450.1); c.2546C>G, p.Thr849Arg (NM_001127511.3); c.2654C>G, p.Thr885Arg (NM_001354896.2, NM_001407447.1, NM_001407448.1 and 1 more transcripts); c.2630C>G, p.Thr877Arg (NM_001354897.2); c.2525C>G, p.Thr842Arg (NM_001354898.2); c.2516C>G, p.Thr839Arg (NM_001354899.2); c.2477C>G, p.Thr826Arg (NM_001354900.2); c.2423C>G, p.Thr808Arg (NM_001354901.2, NM_001407453.1); and 11 more; short protein forms T707R, T738R, T808R, T483R, T839R, T842R, T867R, T877R.
Identifiers: ClinVar variation 3635431 (VCV003635431.2).